The following is an entry in ClinVar:

ClinVar aggregate classification (germline): Pathogenic (1 of 4 stars; one submission).

Conditions:
Hyperlysinemia. Also called: Hyperlysinemias. Identifiers: Orphanet 2203, MedGen C0268553, MONDO:0009388, HP:0002161.

Allele frequency attached by ClinVar (database versions not stated): gnomAD exomes below 0.00001; TOPMed below 0.00001.

Submission:

Women's Health and Genetics/Laboratory Corporation of America, LabCorp
Classification: Pathogenic for Hyperlysinemia. Last evaluated: 2024-01-04. Review status: criteria provided, single submitter. Criteria: LabCorp Variant Classification Summary - May 2015. Collection method: clinical testing. Allele origin: germline.
Comment: Variant summary: AASS c.904dupT (p.Tyr302LeufsX7) results in a premature termination codon, predicted to cause a truncation of the encoded protein or absence of the protein due to nonsense mediated decay, which are commonly known mechanisms for disease. The variant was absent in 251404 control chromosomes. To our knowledge, no occurrence of c.904dupT in individuals affected with Hyperlysinemia and no experimental evidence demonstrating its impact on protein function have been reported. No submitters have cited clinical-significance assessments for this variant to ClinVar after 2014. Based on the evidence outlined above, the variant was classified as pathogenic.

NM_005763.4(AASS):c.904dup (p.Tyr302fs)

Gene: AASS (aminoadipate-semialdehyde synthase; minus strand). Cytogenetic location: 7q31.32.
Variant type: Duplication.
Coding change: c.904dup on transcript NM_005763.4 (MANE Select); coding-DNA position 904, one base duplicated (T; older notation c.904dupT).
Protein change: p.Tyr302fs; shifts the reading frame from tyrosine 302.
Molecular consequence: frameshift variant.
Genome position (GRCh38, 1-based): chr7:122,115,213, A duplicated on the plus strand (T on the coding strand, the reverse complement: AASS is on the minus strand). VCF-style (leftmost placement, unchanged base first): chr7-122115212-T-TA. GRCh37 (hg19) VCF-style: chr7-121755266-T-TA.
Other names: c.904dupT (NM_005763.4); short protein forms Y302fs.
Identifiers: ClinVar variation 3063765 (VCV003063765.1), dbSNP rs1795110728, ClinGen allele CA1739462618.
Genomic context (GRCh38, chr7:122,115,212, plus strand): 5'-CGGGTTAGGAGGCGAGGAGTGTTTTGTTCCCAGTAGATTCCATTAATTAAGCAAGTTGTA[T>TA]AGGGTGCAATCTGTAATGCAAGTTCCAGGTTCAAGAAAATAGAAAATAGCCTATTTTAAT-3'